The following is an entry in ClinVar:

ClinVar aggregate classification (germline): Uncertain significance (1 of 4 stars; one submission).

gnomAD v4.1: 1 of 1,613,434 alleles (0.000062%); highest among the groups gnomAD compares: Non-Finnish European, 0.000085%; no homozygotes.

Submission:

GeneDx
Classification: Uncertain significance. Last evaluated: 2024-06-16. Review status: criteria provided, single submitter. Criteria: GeneDx Variant Classification Process June 2021. Collection method: clinical testing. Allele origin: germline. Affected: yes.
Comment: Not observed at significant frequency in large population cohorts (gnomAD); In silico analysis supports that this missense variant has a deleterious effect on protein structure/function; Has not been previously published as pathogenic or benign to our knowledge

NM_013450.4(BAZ2B):c.3397G>A (p.Gly1133Ser)

Gene: BAZ2B (bromodomain adjacent to zinc finger domain 2B; minus strand). Cytogenetic location: 2q24.2.
Variant type: single nucleotide variant.
Coding change: c.3397G>A on transcript NM_013450.4 (MANE Select); coding-DNA position 3397, G replaced by A.
Protein change: p.Gly1133Ser; replaces glycine 1133 with serine.
Molecular consequence: missense variant.
Genome position (GRCh38, 1-based): chr2:159,386,427, C>T on the plus strand (G>A on the coding strand, the complement: BAZ2B is on the minus strand). VCF-style: chr2-159386427-C-T. GRCh37 (hg19) VCF-style: chr2-160242938-C-T.
Other names: c.3289G>A, p.Gly1097Ser (NM_001289975.1); c.3235G>A, p.Gly1079Ser (NM_001329857.2); c.3322G>A, p.Gly1108Ser (NM_001329858.2); short protein forms G1079S, G1097S, G1108S, G1133S.
Identifiers: ClinVar variation 3390553 (VCV003390553.1).